The following is an entry in ClinVar:

ClinVar aggregate classification (germline): Uncertain significance (0 of 4 stars; one submission).

Conditions:
FLT4-related disorder. Also called: FLT4-related condition.

gnomAD v4.1: 2 of 1,614,160 alleles (0.00012%); highest among the groups gnomAD compares: Non-Finnish European, 0.00017%; no homozygotes.

Submission:

PreventionGenetics, part of Exact Sciences
Classification: Uncertain significance for FLT4-related condition. Last evaluated: 2023-11-28. Review status: no assertion criteria provided. Collection method: clinical testing. Allele origin: germline.
Comment: The FLT4 c.3712G>T variant is predicted to result in the amino acid substitution p.Gly1238Trp. To our knowledge, this variant has not been reported in the literature or in a large population database, indicating this variant is rare. At this time, the clinical significance of this variant is uncertain due to the absence of conclusive functional and genetic evidence.

NM_182925.5(FLT4):c.3712G>T (p.Gly1238Trp)

Gene: FLT4 (fms related receptor tyrosine kinase 4; minus strand). Cytogenetic location: 5q35.3.
Variant type: single nucleotide variant.
Coding change: c.3712G>T on transcript NM_182925.5 (MANE Select); coding-DNA position 3712, G replaced by T.
Protein change: p.Gly1238Trp; replaces glycine 1238 with tryptophan.
Molecular consequence: missense variant.
Genome position (GRCh38, 1-based): chr5:180,610,000, C>A on the plus strand (G>T on the coding strand, the complement: FLT4 is on the minus strand). VCF-style: chr5-180610000-C-A. GRCh37 (hg19) VCF-style: chr5-180037000-C-A.
Other names: c.3712G>T, p.Gly1238Trp (NM_001354989.2, NM_002020.5); short protein forms G1238W.
Identifiers: ClinVar variation 3048685 (VCV003048685.2), dbSNP rs766960409, ClinGen allele CA362498069.